The following is an entry in ClinVar:

ClinVar aggregate classification (germline): Likely benign (1 of 4 stars; one submission).

Submission:

GeneDx
Classification: Likely benign. Last evaluated: 2021-03-21. Review status: criteria provided, single submitter. Criteria: GeneDx Variant Classification Process June 2021. Collection method: clinical testing. Allele origin: germline. Affected: yes.
Comment: See Variant Classification Assertion Criteria.

NM_001424.6(EMP2):c.*142_*145A[4]GAAAA[1]

Gene: EMP2 (epithelial membrane protein 2; minus strand). Cytogenetic location: 16p13.13.
Variant type: Microsatellite.
Coding change: c.*142_*145A[4]GAAAA[1] on transcript NM_001424.6 (MANE Select).
Molecular consequence: 3 prime UTR variant.
Genome position: GRCh38 VCF-style: chr16-10532759-T-TTTTTC. GRCh37 (hg19) VCF-style: chr16-10626616-T-TTTTTC.
Identifiers: ClinVar variation 1706774 (VCV001706774.2), dbSNP rs1491247188.